The following is an entry in ClinVar:

ClinVar aggregate classification (germline): Likely benign. Review status: criteria provided, multiple submitters, no conflicts (2 of 4 stars). 3 submissions from 3 submitters: Likely benign (3). Last evaluated 2025-12-31.

Conditions:
Neuronopathy, distal hereditary motor, autosomal recessive 4. Also called: Autosomal recessive lower motor neuron disease with childhood onset; NEUROPATHY, DISTAL HEREDITARY MOTOR, AUTOSOMAL RECESSIVE 4. Identifiers: Orphanet 206580, MedGen C1970211, MONDO:0012608, OMIM 611067.
Charcot-Marie-Tooth disease recessive intermediate C. Also called: CHARCOT-MARIE-TOOTH NEUROPATHY, RECESSIVE INTERMEDIATE C. Identifiers: Orphanet 369867, MedGen C3809309, MONDO:0014154, OMIM 615376.
Inborn genetic diseases. Identifiers: MedGen C0950123, MeSH D030342.

Allele frequency attached by ClinVar (database versions not stated): gnomAD 0.00001; gnomAD exomes 0.00001 and 0.00002; ExAC 0.00002; TOPMed 0.00002.
gnomAD v4.1: 30 of 1,613,454 alleles (0.0019%); highest among the groups gnomAD compares: Non-Finnish European, 0.0022%; no homozygotes.

Submissions (3):

Labcorp Genetics (formerly Invitae), Labcorp
Classification: Likely benign for Neuronopathy, distal hereditary motor, autosomal recessive 4; Charcot-Marie-Tooth disease recessive intermediate C. Last evaluated: 2025-12-31. Review status: criteria provided, single submitter. Criteria: Invitae Variant Classification Sherloc (09022015). Collection method: clinical testing. Allele origin: germline.

Ambry Genetics
Classification: Likely benign for Inborn genetic diseases. Last evaluated: 2019-07-11. Review status: criteria provided, single submitter. Criteria: Ambry Variant Classification Scheme 2023. Collection method: clinical testing. Allele origin: germline.

GeneDx
Classification: Likely benign. Last evaluated: 2017-07-12. Review status: criteria provided, single submitter. Criteria: GeneDx Variant Classification (06012015). Collection method: clinical testing. Allele origin: germline. Affected: yes.
Comment: This variant is considered likely benign or benign based on one or more of the following criteria: it is a conservative change, it occurs at a poorly conserved position in the protein, it is predicted to be benign by multiple in silico algorithms, and/or has population frequency not consistent with disease.

NM_020631.6(PLEKHG5):c.474G>A (p.Glu158=)

Gene: PLEKHG5 (pleckstrin homology and RhoGEF domain containing G5; minus strand). Cytogenetic location: 1p36.31.
Variant type: single nucleotide variant.
Coding change: c.474G>A on transcript NM_020631.6 (MANE Select); coding-DNA position 474, G replaced by A.
Protein change: p.Glu158=; no amino-acid change (glutamic acid 158 retained).
Molecular consequence: synonymous variant.
Genome position (GRCh38, 1-based): chr1:6,474,130, C>T on the plus strand (G>A on the coding strand, the complement: PLEKHG5 is on the minus strand). VCF-style: chr1-6474130-C-T. GRCh37 (hg19) VCF-style: chr1-6534190-C-T.
Other names: c.585G>A, p.Glu195= (NM_001042663.3, NM_001265592.2); c.474G>A, p.Glu158= (NM_001042664.2, NM_001042665.2, NM_001265594.3 and 1 more transcripts); c.681G>A, p.Glu227= (NM_001265593.2).
Identifiers: ClinVar variation 510813 (VCV000510813.11), dbSNP rs751440606, ClinGen allele CA561837.